The following is an entry in ClinVar:

NM_001199753.2(CPT1C):c.1736G>A (p.Arg579Lys)

Gene: CPT1C (carnitine palmitoyltransferase 1C; plus strand). Cytogenetic location: 19q13.33.
Variant type: single nucleotide variant.
Coding change: c.1736G>A on transcript NM_001199753.2 (MANE Select); coding-DNA position 1736, G replaced by A.
Protein change: p.Arg579Lys; replaces arginine 579 with lysine.
Molecular consequence: missense variant. On other transcripts: non-coding transcript variant (1), intron variant (3).
Genome position (GRCh38, 1-based): chr19:49,710,727, G>A. VCF-style: chr19-49710727-G-A. GRCh37 (hg19) VCF-style: chr19-50213984-G-A.
Other names: p.Arg568Lys; c.1703G>A, p.Arg568Lys (NM_001136052.3, NM_001378485.1); c.1736G>A, p.Arg579Lys (NM_001199752.3, NM_001378483.1, NM_001378484.1 and 1 more transcripts); c.1802G>A, p.Arg601Lys (NM_001378482.1); c.1731+243G>A (NM_001378486.1, NM_001378488.1); c.1698+243G>A (NM_001378487.1); c.1703G>A (NM_001136052.2); short protein forms R579K, R568K, R601K.
Identifiers: ClinVar variation 3021656 (VCV003021656.4), dbSNP rs1019515406, ClinGen allele CA309517705.
Genomic context (GRCh38, chr19:49,710,727, plus strand): 5'-CTGTAAGATCTCCTGAGCCCAGCTGACAGACTCCTCTTCTCCTCCCTGTCCCCCAGGACA[G>A]GGGTCAATTCTGCCTGACTTATGAGTCGGCCATGACTCGCTTATTCCTGGAAGGCCGGAC-3'
Protein context (NP_001186682.1, residues 569-589): IALQLAHFRD[Arg579Lys]GQFCLTYESA

ClinVar aggregate classification (germline): Conflicting classifications of pathogenicity. Review status: criteria provided, conflicting classifications (1 of 4 stars). 2 submissions from 2 submitters: Uncertain significance (1); Likely benign (1). Last evaluated 2025-09-05.

Conditions:
Hereditary spastic paraplegia 73. Also called: Spastic paraplegia 73, autosomal dominant. Identifiers: Orphanet 444099, MedGen C5568981, MONDO:0014568, OMIM 616282.

Allele frequency attached by ClinVar (database versions not stated): gnomAD 0.00001; TOPMed 0.00001.
gnomAD v4.1: 17 of 1,612,154 alleles (0.0011%); highest among the groups gnomAD compares: African/African-American, 0.0013%; no homozygotes.

Submissions (2):

Mayo Clinic Laboratories, Mayo Clinic
Classification: Likely benign. Last evaluated: 2025-09-05. Review status: criteria provided, single submitter. Criteria: ACMG Guidelines, 2015. Collection method: clinical testing. Allele origin: germline. Observed: 2 variant alleles.
Comment: BS2, BP5

Labcorp Genetics (formerly Invitae), Labcorp
Classification: Uncertain significance for Hereditary spastic paraplegia 73. Last evaluated: 2023-07-17. Review status: criteria provided, single submitter. Criteria: Invitae Variant Classification Sherloc (09022015). Collection method: clinical testing. Allele origin: germline.
Comment: In summary, the available evidence is currently insufficient to determine the role of this variant in disease. Therefore, it has been classified as a Variant of Uncertain Significance. Algorithms developed to predict the effect of sequence changes on RNA splicing suggest that this variant may disrupt the consensus splice site. Advanced modeling of protein sequence and biophysical properties (such as structural, functional, and spatial information, amino acid conservation, physicochemical variation, residue mobility, and thermodynamic stability) performed at Invitae indicates that this missense variant is not expected to disrupt CPT1C protein function. This variant has not been reported in the literature in individuals affected with CPT1C-related conditions. This variant is present in population databases (no rsID available, gnomAD 0.004%). This sequence change replaces arginine, which is basic and polar, with lysine, which is basic and polar, at codon 568 of the CPT1C protein (p.Arg568Lys).